The following is an entry in ClinVar:

NM_016239.4(MYO15A):c.5491G>A (p.Gly1831Arg)

Gene: MYO15A (myosin XVA; plus strand). Cytogenetic location: 17p11.2.
Variant type: single nucleotide variant.
Coding change: c.5491G>A on transcript NM_016239.4 (MANE Select); coding-DNA position 5491, G replaced by A.
Protein change: p.Gly1831Arg; replaces glycine 1831 with arginine.
Molecular consequence: missense variant.
Genome position (GRCh38, 1-based): chr17:18,141,103, G>A. VCF-style: chr17-18141103-G-A. GRCh37 (hg19) VCF-style: chr17-18044417-G-A.
Other names: short protein forms G1831R.
Identifiers: ClinVar variation 1064986 (VCV001064986.7), dbSNP rs1260018632, ClinGen allele CA398601419.

ClinVar aggregate classification (germline): Conflicting classifications of pathogenicity. Review status: criteria provided, conflicting classifications (1 of 4 stars). 3 submissions from 3 submitters: Likely pathogenic (1); Uncertain significance (2). Last evaluated 2025-11-13.

Conditions:
Hearing impairment. Also called: Impaired Hearing. Identifiers: MedGen C1384666, MONDO:0005365, HP:0000365.

Allele frequency attached by ClinVar (database versions not stated): gnomAD exomes below 0.00001 and 0.00001; gnomAD 0.00001.
gnomAD v4.1: 3 of 1,614,004 alleles (0.00019%); no homozygotes.

Submissions (3):

Women's Health and Genetics/Laboratory Corporation of America, LabCorp
Classification: Uncertain significance. Last evaluated: 2025-11-13. Review status: criteria provided, single submitter. Criteria: LabCorp Variant Classification Summary - May 2015. Collection method: clinical testing. Allele origin: germline.
Comment: Variant summary: MYO15A c.5491G>A (p.Gly1831Arg) results in a non-conservative amino acid change in the encoded protein sequence. Algorithms developed to predict the effect of missense changes on protein structure and function all suggest that this variant is likely to be disruptive. The variant allele was found at a frequency of 8e-06 in 249316 control chromosomes. c.5491G>A has been observed in an individual affected with Autosomal Recessive Hearing Loss (Tropitzsch_2023). To our knowledge, no experimental evidence demonstrating an impact on protein function has been reported. A different variant at the same codon was reported as pathogenic (c.5492G>T, p.Gly1831Val), supporting the critical relevance of codon 1831 to MYO15A protein function. ClinVar contains an entry for this variant (Variation ID: 1064986). Based on the evidence outlined above, the variant was classified as VUS-possibly pathogenic.

Labcorp Genetics (formerly Invitae), Labcorp
Classification: Likely pathogenic. Last evaluated: 2023-09-22. Review status: criteria provided, single submitter. Criteria: Invitae Variant Classification Sherloc (09022015). Collection method: clinical testing. Allele origin: germline.
Comment: This sequence change replaces glycine, which is neutral and non-polar, with arginine, which is basic and polar, at codon 1831 of the MYO15A protein (p.Gly1831Arg). This variant is present in population databases (no rsID available, gnomAD 0.01%). This variant disrupts the p.Gly1831 amino acid residue in MYO15A. Other variant(s) that disrupt this residue have been determined to be pathogenic (PMID: 17853461). This suggests that this residue is clinically significant, and that variants that disrupt this residue are likely to be disease-causing. In summary, the currently available evidence indicates that the variant is pathogenic, but additional data are needed to prove that conclusively. Therefore, this variant has been classified as Likely Pathogenic. This variant has not been reported in the literature in individuals affected with MYO15A-related conditions. ClinVar contains an entry for this variant (Variation ID: 1064986). Advanced modeling of protein sequence and biophysical properties (such as structural, functional, and spatial information, amino acid conservation, physicochemical variation, residue mobility, and thermodynamic stability) performed at Invitae indicates that this missense variant is expected to disrupt MYO15A protein function.

Department of Otolaryngology – Head & Neck Surgery, Cochlear Implant Center
Classification: Uncertain significance for Hearing impairment. Last evaluated: 2021-04-12. Review status: criteria provided, single submitter. Criteria: ClinGen HL ACMG Specifications v1. Collection method: clinical testing. Allele origin: germline. Affected: yes.
Comment: PM2_Moderate, PP3_Supporting

Literature cited by the submitters: PubMed 37438890 (cited by Women's Health and Genetics/Laboratory Corporation of America, LabCorp); PubMed 17853461 (cited by Labcorp Genetics (formerly Invitae), Labcorp).